The following is an entry in ClinVar:

NM_000256.3(MYBPC3):c.3641G>A (p.Trp1214Ter)

Gene: MYBPC3 (myosin binding protein C3; minus strand). Cytogenetic location: 11p11.2.
Variant type: single nucleotide variant.
Coding change: c.3641G>A on transcript NM_000256.3 (MANE Select); coding-DNA position 3641, G replaced by A.
Protein change: p.Trp1214Ter; replaces tryptophan 1214 with a stop codon.
Molecular consequence: nonsense.
Genome position (GRCh38, 1-based): chr11:47,332,245, C>T on the plus strand (G>A on the coding strand, the complement: MYBPC3 is on the minus strand). VCF-style: chr11-47332245-C-T. GRCh37 (hg19) VCF-style: chr11-47353796-C-T.
Other names: p.W1214*:TGG>TAG; short protein forms W1214*.
Identifiers: ClinVar variation 181015 (VCV000181015.11), dbSNP rs730880597, ClinGen allele CA014541.

ClinVar aggregate classification (germline): Pathogenic. Review status: criteria provided, multiple submitters, no conflicts (2 of 4 stars). 4 submissions from 4 submitters: Pathogenic (4). Last evaluated 2026-01-27.

Conditions:
Hypertrophic cardiomyopathy. Also called: HYPERTROPHIC MYOCARDIOPATHY. Identifiers: Orphanet 217569, MedGen C0007194, MeSH D002312, MONDO:0005045, HP:0001639.

Submissions (4):

Dasa
Classification: Pathogenic. Last evaluated: 2026-01-27. Review status: criteria provided, single submitter. Criteria: DASA Assertion Criteria. Collection method: clinical testing. Allele origin: germline.
Comment: NM_000256.3(MYBPC3):c.3641G>A (p.Trp1214*) introduces a premature termination codon predicted to result in loss of normal protein function. Loss-of-function is an established mechanism of disease for this gene. This variant has been recurrently observed in individuals with related phenotype (PMID: 23299917; PMID: 21959974; PMID: 27840609; PMID: 19574547; PMID: 32841044). The variant is present at low frequency in population datasets. Based on the available data, this variant is classified as pathogenic.

Labcorp Genetics (formerly Invitae), Labcorp
Classification: Pathogenic for Hypertrophic cardiomyopathy. Last evaluated: 2022-11-11. Review status: criteria provided, single submitter. Criteria: Invitae Variant Classification Sherloc (09022015). Collection method: clinical testing. Allele origin: germline.
Comment: This premature translational stop signal has been observed in individual(s) with familial hypertrophic cardiomyopathy (PMID: 21959974, 23299917, 32746448, 32841044). This sequence change creates a premature translational stop signal (p.Trp1214*) in the MYBPC3 gene. It is expected to result in an absent or disrupted protein product. Loss-of-function variants in MYBPC3 are known to be pathogenic (PMID: 19574547). This variant is not present in population databases (gnomAD no frequency). ClinVar contains an entry for this variant (Variation ID: 181015). For these reasons, this variant has been classified as Pathogenic.

Laboratory for Molecular Medicine, Mass General Brigham Personalized Medicine
Classification: Pathogenic for Hypertrophic cardiomyopathy. Last evaluated: 2015-11-13. Review status: criteria provided, single submitter. Criteria: LMM Criteria. Collection method: clinical testing. Allele origin: germline. Inheritance: Autosomal dominant inheritance. Observed: 1 variant allele.
Comment: The p.Trp1214X variant in MYBPC3 has been previously reported in 1 individual wi th HCM (Bashyam 2011) and was absent from large population studies. This nonsens e variant leads to a premature termination codon at position 1214, which is pred icted to lead to a truncated or absent protein. Heterozygous loss of function of the MYBPC3 gene is an established disease mechanism in individuals with HCM. In summary, this variant meets our criteria to be classified as pathogenic for HCM in an autosomal dominant manner based upon the predicted impact of the variant.

GeneDx
Classification: Pathogenic. Last evaluated: 2013-08-05. Review status: criteria provided, single submitter. Criteria: GeneDx Variant Classification (06012015). Collection method: clinical testing. Allele origin: germline. Affected: yes.
Comment: p.Trp1214Stop (TGG>TAG): c.3641 G>A in exon 33 of the MYBPC3 gene (NM_000256.3). The mutation was absent from 100 ethnically matched control individuals. Trp1214Stop is predicted to cause loss of normal protein function either by protein truncation or nonsense-mediated mRNA decay. Other nonsense mutations in the MYBPC3 gene have been reported in association with HCM. In summary, Trp1214Stop in the MYBPC3 gene is interpreted as a disease-causing mutation. Mutations in the MYBPC3 gene have been reported in 20%-30% of patients with autosomal dominant familial hypertrophic cardiomyopathy, and have been reported less frequently in patients with autosomal dominant familial dilated cardiomyopathy (Cirino A et al., 2011; Hershberger R et al., 2009). The variant is found in HCM panel(s).

Literature cited by the submitters: PubMed 23299917 (cited by 3 submitters); PubMed 21959974 (cited by 3 submitters); PubMed 27840609 (cited by Dasa); PubMed 19574547 (cited by Dasa and Labcorp Genetics (formerly Invitae), Labcorp); PubMed 32841044 (cited by Dasa and Labcorp Genetics (formerly Invitae), Labcorp); PubMed 32746448 (cited by Dasa and Labcorp Genetics (formerly Invitae), Labcorp); PubMed 24510615 (cited by Dasa and Laboratory for Molecular Medicine, Mass General Brigham Personalized Medicine).